The following is an entry in ClinVar:

ClinVar aggregate classification (germline): Conflicting classifications of pathogenicity. Review status: criteria provided, conflicting classifications (1 of 4 stars). 2 submissions from 2 submitters: Uncertain significance (1); Likely benign (1). Last evaluated 2026-07-28.

Conditions:
Transitory neonatal diabetes mellitus. Also called: Transient neonatal diabetes mellitus. Identifiers: MedGen C0342273, MONDO:0020525, HP:0008255.
GLIS3-related disorder. Also called: GLIS3-related condition.

Allele frequency attached by ClinVar (database versions not stated): 1000 Genomes Project 30x 0.00031; 1000 Genomes Project 0.00040.
gnomAD v4.1: 6 of 1,557,880 alleles (0.00039%); highest among the groups gnomAD compares: African/African-American, 0.0081%; no homozygotes.

Submissions (2):

PreventionGenetics, part of Exact Sciences
Classification: Uncertain significance for GLIS3-related condition. Last evaluated: 2026-07-28. Review status: criteria provided, single submitter. Criteria: ACMG Guidelines, 2015. Collection method: clinical testing. Allele origin: germline.
Comment: The GLIS3 c.1327C>G variant is predicted to result in the amino acid substitution p.Leu443Val. To our knowledge, this variant has not been reported in the literature. This variant is reported in 0.0087% of alleles in individuals of African descent in gnomAD. At this time, the clinical significance of this variant is uncertain due to the absence of conclusive functional and genetic evidence.

Clinical Genomics, Uppaluri K&H Personalized Medicine Clinic
Classification: Likely benign for Transitory neonatal diabetes mellitus. Review status: criteria provided, single submitter. Criteria: K & H Uppaluri Personalized Medicine Clinic Variant Classification & Assertion Criteria_Updated V.1. Collection method: research. Allele origin: unknown.
Comment: Potent mutations in GLIS3 predisposes to neonatal diabetes mellitus with an extra pancreatic manifestation of hypothyroidism. It also predisposes to early onset diabetes in adults.However no sufficient evidence is found to ascertain the role of this particular variant rs529418802, yet.

Literature cited by the submitters: PubMed 32693112 (cited by Clinical Genomics, Uppaluri K&H Personalized Medicine Clinic); PubMed 27899417 (cited by Clinical Genomics, Uppaluri K&H Personalized Medicine Clinic); PubMed 29992946 (cited by Clinical Genomics, Uppaluri K&H Personalized Medicine Clinic); PubMed 35394098 (cited by Clinical Genomics, Uppaluri K&H Personalized Medicine Clinic); PubMed 29146476 (cited by Clinical Genomics, Uppaluri K&H Personalized Medicine Clinic).

NM_001042413.2(GLIS3):c.1327C>G (p.Leu443Val)

Gene: GLIS3 (GLIS family zinc finger 3; minus strand). Cytogenetic location: 9p24.2.
Variant type: single nucleotide variant.
Coding change: c.1327C>G on transcript NM_001042413.2 (MANE Select); coding-DNA position 1327, C replaced by G.
Protein change: p.Leu443Val; replaces leucine 443 with valine.
Molecular consequence: missense variant.
Genome position (GRCh38, 1-based): chr9:4,118,151, G>C on the plus strand (C>G on the coding strand, the complement: GLIS3 is on the minus strand). VCF-style: chr9-4118151-G-C. GRCh37 (hg19) VCF-style: chr9-4118151-G-C.
Other names: c.1327C>G (NM_001042413.1); c.862C>G, p.Leu288Val (NM_152629.4); short protein forms L288V, L443V.
Identifiers: ClinVar variation 1802673 (VCV001802673.2), dbSNP rs529418802, ClinGen allele CA4968235.